The following is an entry in ClinVar:

ClinVar aggregate classification (germline): Benign/Likely benign. Review status: criteria provided, multiple submitters, no conflicts (2 of 4 stars). 3 submissions from 3 submitters: Benign (1); Likely benign (2). Last evaluated 2024-10-24.

Conditions:
Hereditary cancer-predisposing syndrome. Also called: Tumor predisposition; Hereditary Cancer Syndrome; Neoplastic Syndromes, Hereditary; Hereditary neoplastic syndrome. Identifiers: Orphanet 140162, MedGen C0027672, MeSH D009386, MONDO:0015356.
Birt-Hogg-Dube syndrome. Also called: Birt Hogg Dubé syndrome. Identifiers: Orphanet 122, MedGen C0346010, MONDO:0800444.
Birt-Hogg-Dube syndrome 1 (BHD1). Also called: FIBROFOLLICULOMAS WITH TRICHODISCOMAS AND ACROCHORDONS. Identifiers: Orphanet 122, MedGen CN375946, MONDO:0800445, OMIM 135150.

Allele frequency attached by ClinVar (database versions not stated): TOPMed below 0.00001; gnomAD 0.00001.
gnomAD v4.1: 1 of 1,613,776 alleles (0.000062%); highest among the groups gnomAD compares: African/African-American, 0.0013%; no homozygotes.

Submissions (3):

Myriad Genetics, Inc.
Classification: Benign for Birt-Hogg-Dube syndrome 1. Last evaluated: 2024-10-24. Review status: criteria provided, single submitter. Criteria: Myriad Autosomal Dominant, Autosomal Recessive and X-Linked Classification Criteria (2023). Collection method: clinical testing. Allele origin: unknown.
Comment: This variant is considered benign. This variant is a silent/synonymous amino acid change and it is not expected to impact splicing.

Ambry Genetics
Classification: Likely benign for Hereditary cancer-predisposing syndrome. Last evaluated: 2022-05-12. Review status: criteria provided, single submitter. Criteria: Ambry Variant Classification Scheme 2023. Collection method: clinical testing. Allele origin: germline.

Labcorp Genetics (formerly Invitae), Labcorp
Classification: Likely benign for Birt-Hogg-Dube syndrome. Last evaluated: 2018-07-09. Review status: criteria provided, single submitter. Criteria: Invitae Variant Classification Sherloc (09022015). Collection method: clinical testing. Allele origin: germline.

NM_144997.7(FLCN):c.1236C>G (p.Ala412=)

Gene: FLCN (folliculin; minus strand). Cytogenetic location: 17p11.2.
Variant type: single nucleotide variant.
Coding change: c.1236C>G on transcript NM_144997.7 (MANE Select); coding-DNA position 1236, C replaced by G.
Protein change: p.Ala412=; no amino-acid change (alanine 412 retained).
Molecular consequence: synonymous variant.
Genome position (GRCh38, 1-based): chr17:17,216,444, G>C on the plus strand (C>G on the coding strand, the complement: FLCN is on the minus strand). VCF-style: chr17-17216444-G-C. GRCh37 (hg19) VCF-style: chr17-17119758-G-C.
Other names: c.1290C>G, p.Ala430= (NM_001353229.2); c.1236C>G, p.Ala412= (NM_001353230.2, NM_001353231.2).
Identifiers: ClinVar variation 759517 (VCV000759517.10), dbSNP rs769968368, ClinGen allele CA498163265.
Genomic context (GRCh38, chr17:17,216,444, plus strand): 5'-GGAGAGCACGTGGGGGGGGATCTGCACGTGCGGGCTGAGCCCCAGGAAGTTGCACCGATA[G>C]GCCTCCTCGTACTGGCTGCTGTATGGGATGATGCGGACGCAGCCCACGGGAAGCATGGTC-3'
Protein context (NP_659434.2, residues 402-422): IIPYSSQYEE[Ala412=]YRCNFLGLSP